The following is an entry in ClinVar:

ClinVar aggregate classification (germline): Uncertain significance (1 of 4 stars; one submission).

Conditions:
Developmental and epileptic encephalopathy 94 (DEE94). Also called: CHD2-Related Neurodevelopmental Disorders; Epileptic encephalopathy, childhood-onset. Identifiers: Orphanet 1942, Orphanet 2382, MedGen C3809278, MONDO:0014150, OMIM 615369.

Allele frequency attached by ClinVar (database versions not stated): gnomAD 0.00001.
gnomAD v4.1: 3 of 1,613,802 alleles (0.00019%); highest among the groups gnomAD compares: African/African-American, 0.0013%; no homozygotes.

Submission:

Labcorp Genetics (formerly Invitae), Labcorp
Classification: Uncertain significance for Developmental and epileptic encephalopathy 94. Last evaluated: 2020-12-24. Review status: criteria provided, single submitter. Criteria: Invitae Variant Classification Sherloc (09022015). Collection method: clinical testing. Allele origin: germline.
Comment: This variant has not been reported in the literature in individuals with CHD2-related conditions. This sequence change replaces threonine with alanine at codon 744 of the CHD2 protein (p.Thr744Ala). The threonine residue is highly conserved and there is a small physicochemical difference between threonine and alanine. This variant is not present in population databases (ExAC no frequency). Algorithms developed to predict the effect of missense changes on protein structure and function (SIFT, PolyPhen-2, Align-GVGD) all suggest that this variant is likely to be tolerated, but these predictions have not been confirmed by published functional studies and their clinical significance is uncertain. In summary, the available evidence is currently insufficient to determine the role of this variant in disease. Therefore, it has been classified as a Variant of Uncertain Significance.

NM_001271.4(CHD2):c.2230A>G (p.Thr744Ala)

Gene: CHD2 (chromodomain helicase DNA binding protein 2; plus strand). Cytogenetic location: 15q26.1.
Variant type: single nucleotide variant.
Coding change: c.2230A>G on transcript NM_001271.4 (MANE Select); coding-DNA position 2230, A replaced by G.
Protein change: p.Thr744Ala; replaces threonine 744 with alanine.
Molecular consequence: missense variant.
Genome position (GRCh38, 1-based): chr15:92,971,805, A>G. VCF-style: chr15-92971805-A-G. GRCh37 (hg19) VCF-style: chr15-93515035-A-G.
Other names: short protein forms T744A.
Identifiers: ClinVar variation 1055958 (VCV001055958.9), dbSNP rs1596418984, ClinGen allele CA393892811.